The following is an entry in ClinVar:

NM_173354.5(SIK1):c.436G>A (p.Val146Ile)

Gene: SIK1 (salt inducible kinase 1; minus strand). Cytogenetic location: 21q22.3.
Variant type: single nucleotide variant.
Coding change: c.436G>A on transcript NM_173354.5 (MANE Select); coding-DNA position 436, G replaced by A.
Protein change: p.Val146Ile; replaces valine 146 with isoleucine.
Molecular consequence: missense variant.
Genome position (GRCh38, 1-based): chr21:43,421,701, C>T on the plus strand (G>A on the coding strand, the complement: SIK1 is on the minus strand). VCF-style: chr21-43421701-C-T. GRCh37 (hg19) VCF-style: chr21-44841581-C-T.
Other names: short protein forms V146I.
Identifiers: ClinVar variation 652011 (VCV000652011.11), dbSNP rs762885522, ClinGen allele CA321328112.

ClinVar aggregate classification (germline): Uncertain significance (1 of 4 stars; one submission).

Conditions:
Developmental and epileptic encephalopathy, 30 (DEE30). Also called: Epileptic encephalopathy, early infantile, 30. Identifiers: MedGen C4225360, MONDO:0014595, OMIM 616341.

Allele frequency attached by ClinVar (database versions not stated): ExAC 0.00002; gnomAD exomes 0.00002.

Submission:

Labcorp Genetics (formerly Invitae), Labcorp
Classification: Uncertain significance for Developmental and epileptic encephalopathy, 30. Last evaluated: 2023-04-14. Review status: criteria provided, single submitter. Criteria: Invitae Variant Classification Sherloc (09022015). Collection method: clinical testing. Allele origin: germline.
Comment: In summary, the available evidence is currently insufficient to determine the role of this variant in disease. Therefore, it has been classified as a Variant of Uncertain Significance. Advanced modeling of protein sequence and biophysical properties (such as structural, functional, and spatial information, amino acid conservation, physicochemical variation, residue mobility, and thermodynamic stability) performed at Invitae indicates that this missense variant is expected to disrupt SIK1 protein function. ClinVar contains an entry for this variant (Variation ID: 652011). This variant has not been reported in the literature in individuals affected with SIK1-related conditions. This variant is present in population databases (rs762885522, gnomAD 0.004%). This sequence change replaces valine, which is neutral and non-polar, with isoleucine, which is neutral and non-polar, at codon 146 of the SIK1 protein (p.Val146Ile).